The following is an entry in ClinVar:

ClinVar aggregate classification (germline): Likely benign. Review status: criteria provided, multiple submitters, no conflicts (2 of 4 stars). 3 submissions from 3 submitters: Likely benign (3). Last evaluated 2026-09-25.

Conditions:
PDE6B-related disorder. Also called: PDE6B-related disease; PDE6B-related condition; PDE6B-related disorders.

Allele frequency attached by ClinVar (database versions not stated): gnomAD 0.00001 and 0.00002; gnomAD exomes 0.00003; ExAC 0.00008.
gnomAD v4.1: 64 of 1,584,068 alleles (0.004%); highest among the groups gnomAD compares: Non-Finnish European, 0.0051%; no homozygotes.

Submissions (3):

PreventionGenetics, part of Exact Sciences
Classification: Likely benign for PDE6B-related condition. Last evaluated: 2026-09-25. Review status: criteria provided, single submitter. Criteria: ACMG Guidelines, 2015. Collection method: clinical testing. Allele origin: germline.
Comment: This variant is classified as likely benign based on ACMG/AMP sequence variant interpretation guidelines (Richards et al. 2015 PMID: 25741868, with internal and published modifications).

Labcorp Genetics (formerly Invitae), Labcorp
Classification: Likely benign. Last evaluated: 2025-04-16. Review status: criteria provided, single submitter. Criteria: Invitae Variant Classification Sherloc (09022015). Collection method: clinical testing. Allele origin: germline.

Blueprint Genetics
Classification: Likely benign. Last evaluated: 2023-02-20. Review status: criteria provided, single submitter. Criteria: ACMG Guidelines, 2015. Collection method: clinical testing. Allele origin: germline.

NM_000283.4(PDE6B):c.375C>T (p.Pro125=)

Gene: PDE6B (phosphodiesterase 6B; plus strand). Cytogenetic location: 4p16.3.
Variant type: single nucleotide variant.
Coding change: c.375C>T on transcript NM_000283.4 (MANE Select); coding-DNA position 375, C replaced by T.
Protein change: p.Pro125=; no amino-acid change (proline 125 retained).
Molecular consequence: synonymous variant.
Genome position (GRCh38, 1-based): chr4:626,001, C>T. VCF-style: chr4-626001-C-T. GRCh37 (hg19) VCF-style: chr4-619790-C-T.
Other names: c.375C>T, p.Pro125= (NM_001145291.2); c.375C>T (NM_000283.3).
Identifiers: ClinVar variation 1124054 (VCV001124054.11), dbSNP rs776796063, ClinGen allele CA2793922.